The following is an entry in ClinVar:

ClinVar aggregate classification (germline): Uncertain significance (1 of 4 stars; one submission).

Conditions:
Fabry disease. Also called: ALPHA-GALACTOSIDASE A DEFICIENCY; ANDERSON-FABRY DISEASE; CERAMIDE TRIHEXOSIDASE DEFICIENCY; GLA DEFICIENCY; HEREDITARY DYSTOPIC LIPIDOSIS; Angiokeratoma corporis diffusum. Identifiers: Orphanet 324, MedGen C0002986, MONDO:0010526, OMIM 301500, HP:0001071. Disease mechanism: Fabry disease is due to inactivating mutations in the X-linked GLA gene resulting in deficiency of the enzyme Alpha Galactosidase-A., loss of function.

Submission:

Genomenon, Inc
Classification: Uncertain significance for Fabry disease. Last evaluated: 2026-09-08. Review status: criteria provided, single submitter. Criteria: Genomenon Sequence Variant Interpretation Standards - Updated. Collection method: curation. Allele origin: germline. Affected: no.
Comment: GLA p.Phe248Ser (c.743T>C) is a missense variant that changes the amino acid at codon 248 from Phenylalanine to Serine. This variant has been reported in the published literature (PMID:32023956). It is absent or not present at a significant frequency in gnomAD. In conclusion, we classify GLA p.Phe248Ser (c.743T>C) as a variant of uncertain significance.

Literature cited by the submitters: PubMed 32023956.

NM_000169.3(GLA):c.743T>C (p.Phe248Ser)

Genes: GLA (galactosidase alpha; minus strand), RPL36A-HNRNPH2 (RPL36A-HNRNPH2 readthrough; plus strand). Cytogenetic location: Xq22.1.
Variant type: single nucleotide variant.
Coding change: c.743T>C on transcript NM_000169.3 (MANE Select); coding-DNA position 743, T replaced by C.
Protein change: p.Phe248Ser; replaces phenylalanine 248 with serine.
Molecular consequence: missense variant. On other transcripts: non-coding transcript variant (3), intron variant (2).
Genome position (GRCh38, 1-based): chrX:101,398,843, A>G on the plus strand (T>C on the coding strand, the complement: GLA is on the minus strand). VCF-style: chrX-101398843-A-G. GRCh37 (hg19) VCF-style: chrX-100653831-A-G.
Other names: c.866T>C, p.Phe289Ser (NM_001406747.1); c.743T>C, p.Phe248Ser (NM_001406748.1); c.300+3386A>G (NM_001199973.2); c.177+7021A>G (NM_001199974.2); short protein forms F248S, F289S.
Identifiers: ClinVar variation 4087492 (VCV004087492.2).